The following is an entry in ClinVar:

ClinVar aggregate classification (germline): Uncertain significance (1 of 4 stars; one submission).

Conditions:
DNA ligase IV deficiency. Identifiers: Orphanet 99812, MedGen C1847827, MONDO:0011686, OMIM 606593.

Submission:

Labcorp Genetics (formerly Invitae), Labcorp
Classification: Uncertain significance for DNA ligase IV deficiency. Last evaluated: 2023-12-11. Review status: criteria provided, single submitter. Criteria: Invitae Variant Classification Sherloc (09022015). Collection method: clinical testing. Allele origin: germline.
Comment: This variant, c.795_796delinsAA, is a complex sequence change that results in the deletion of 2 and insertion of 2 amino acid(s) in the LIG4 protein (p.His265_Gln266delinsGlnLys). Information on the frequency of this variant in the gnomAD database is not available, as this variant may be reported differently in the database. This variant has not been reported in the literature in individuals affected with LIG4-related conditions. ClinVar contains an entry for this variant (Variation ID: 1999017). Experimental studies and prediction algorithms are not available or were not evaluated, and the functional significance of this variant is currently unknown. In summary, the available evidence is currently insufficient to determine the role of this variant in disease. Therefore, it has been classified as a Variant of Uncertain Significance.

NM_206937.2(LIG4):c.795_796delinsAA (p.His265_Gln266delinsGlnLys)

Gene: LIG4 (DNA ligase 4; minus strand). Cytogenetic location: 13q33.3.
Variant type: Indel.
Coding change: c.795_796delinsAA on transcript NM_206937.2 (MANE Select); coding-DNA positions 795 to 796, TC replaced by AA.
Protein change: p.His265_Gln266delinsGlnLys.
Molecular consequence: missense variant.
Genome position (GRCh38, 1-based): chr13:108,210,473-108,210,474, GA replaced by TT on the plus strand (TC replaced by AA on the coding strand, the reverse complement: LIG4 is on the minus strand). VCF-style: chr13-108210473-GA-TT. GRCh37 (hg19) VCF-style: chr13-108862821-GA-TT.
Other names: c.795_796delinsAA, p.His265_Gln266delinsGlnLys (NM_001098268.2, NM_001352598.2, NM_001352599.2 and 6 more transcripts); c.594_595delinsAA, p.His198_Gln199delinsGlnLys (NM_001330595.2); c.831_832delinsAA, p.His277_Gln278delinsGlnLys (NM_001352604.2).
Identifiers: ClinVar variation 1999017 (VCV001999017.4), dbSNP rs2501615817, ClinGen allele CA2580087288.
Genomic context (GRCh38, chr13:108,210,473, plus strand): 5'-CTCCATCTTTGTGCATTTGCATACGTTCACCATCTAGCTTGGTTTCTATGTAGAAACTCT[GA>TT]TGTTTCATATCCTTCTCAATGTGCTCAATATCTGCAATAGCAGCTAGCATTGGTTTAAAT-3'